The following is an entry in ClinVar:

NM_000180.4(GUCY2D):c.1A>G (p.Met1Val)

Gene: GUCY2D (guanylate cyclase 2D, retinal; plus strand). Cytogenetic location: 17p13.1.
Variant type: single nucleotide variant.
Coding change: c.1A>G on transcript NM_000180.4 (MANE Select); coding-DNA position 1, A replaced by G.
Protein change: p.Met1Val; changes the start codon (methionine 1).
Molecular consequence: missense variant, initiator codon variant.
Genome position (GRCh38, 1-based): chr17:8,003,048, A>G. VCF-style: chr17-8003048-A-G. GRCh37 (hg19) VCF-style: chr17-7906366-A-G.
Other names: NM_000180.4(GUCY2D):c.1A>G; p.Met1Val; short protein forms M1V.
Identifiers: ClinVar variation 1685872 (VCV001685872.7), dbSNP rs1424348888, ClinGen allele CA397942217.

ClinVar aggregate classification (germline): Pathogenic. Review status: reviewed by expert panel (3 of 4 stars). 4 submissions from 4 submitters: Pathogenic (1). 3 of the submissions do not count toward it. Last evaluated 2026-11-06.

Conditions:
GUCY2D-related disorders.
GUCY2D-related recessive retinopathy. Also called: Recessive GUCY2D retinopathy. Identifiers: MedGen CN305603, MONDO:0100453.
Leber congenital amaurosis 1 (LCA1). Also called: Congenital absence of the rods and cones; Leber's congenital tapetoretinal degeneration; Leber's congenital tapetoretinal dysplasia; AMAUROSIS CONGENITA OF LEBER I; RETINAL BLINDNESS, CONGENITAL. Identifiers: Orphanet 65, MedGen C2931258, MONDO:0008764, OMIM 204000.
Cone-rod dystrophy 6 (CORD6). Also called: Cone dystrophy progressive; RETINAL CONE DYSTROPHY 2. Identifiers: Orphanet 1872, MedGen C1866293, MONDO:0011143, OMIM 601777.

Allele frequency attached by ClinVar (database versions not stated): gnomAD exomes 0.00001.

Submissions (4):

ClinGen Leber Congenital Amaurosis/early Onset Retinal Dystrophy Variant Curation Expert Panel, ClinGen
Classification: Pathogenic for GUCY2D-related recessive retinopathy. Last evaluated: 2026-11-06. Review status: reviewed by expert panel. Criteria: ClinGen LCAeoRD ACMG Specifications GUCY2D V1.0.0. Collection method: curation. Allele origin: germline. Inheritance: Autosomal recessive inheritance.
Comment: The NM_000180.4(GUCY2D):c.1A>G (p.Met1Val) variant in exon 2 affects the canonical initiation codon and is predicted to lead to a complete absence of protein product (PVS1). Another missense variant in the same codon, NM_000180.4(GUCY2D):c.3G>A (p.Met1Ile), has been classified as pathogenic for RPE65-related recessive retinopathy by the ClinGen LCA / eoRD VCEP (PS1_Supporting). This variant is present in gnomAD v.4.1.0 at a total allele frequency of 0.000003932, with 6 alleles / 1526110 total alleles, which is lower than the ClinGen LCA/eoRD VCEP PM2_Supporting threshold of <0.0004 (PM2_Supporting). In summary, this variant meets the criteria to be classified as Pathogenic for GUCY2D-related recessive retinopathy based on the ACMG/AMP criteria applied, as specified by the ClinGen LCA/eoRD VCEP: PVS1, PS1_Supporting, PM2_Supporting. VCEP specifications version 1.0.0.

Labcorp Genetics (formerly Invitae), Labcorp
Classification: Pathogenic for Leber congenital amaurosis 1; Cone-rod dystrophy 6. Last evaluated: 2023-12-03. Review status: criteria provided, single submitter. Criteria: Invitae Variant Classification Sherloc (09022015). Collection method: clinical testing. Allele origin: germline. Not counted in ClinVar's aggregate classification.
Comment: This sequence change affects the initiator methionine of the GUCY2D mRNA. The next in-frame methionine is located at codon 218. This variant is present in population databases (no rsID available, gnomAD 0.01%). Disruption of the initiator codon has been observed in individuals with Leber congenital amaurosis (PMID: 10951519, 15024725). ClinVar contains an entry for this variant (Variation ID: 1685872). This variant disrupts a region of the GUCY2D protein in which other variant(s) (p.Glu103Lys) have been determined to be pathogenic (PMID: 21602930, 28041643, 29178642, 34048777; Invitae). This suggests that this is a clinically significant region of the protein, and that variants that disrupt it are likely to be disease-causing. For these reasons, this variant has been classified as Pathogenic.

Mendelics
Classification: Pathogenic for Leber congenital amaurosis 1. Last evaluated: 2022-05-04. Review status: criteria provided, single submitter. Criteria: Mendelics Assertion Criteria 2019. Collection method: clinical testing. Allele origin: germline. Not counted in ClinVar's aggregate classification.

Blueprint Genetics
Classification: Pathogenic for GUCY2D-related disorders. Last evaluated: 2022-04-30. Review status: criteria provided, single submitter. Criteria: ACMG Guidelines, 2015. Collection method: clinical testing. Allele origin: germline. Affected: yes. Observed: 1 variant allele. Not counted in ClinVar's aggregate classification.

Literature cited by the submitters: PubMed 10951519 (cited by Labcorp Genetics (formerly Invitae), Labcorp); PubMed 15024725 (cited by Labcorp Genetics (formerly Invitae), Labcorp); PubMed 21602930 (cited by Labcorp Genetics (formerly Invitae), Labcorp); PubMed 28041643 (cited by Labcorp Genetics (formerly Invitae), Labcorp); PubMed 29178642 (cited by Labcorp Genetics (formerly Invitae), Labcorp); PubMed 34048777 (cited by Labcorp Genetics (formerly Invitae), Labcorp).